The following is an entry in ClinVar:

NM_001204.7(BMPR2):c.2526G>T (p.Arg842Ser)

Gene: BMPR2 (bone morphogenetic protein receptor type 2; plus strand). Cytogenetic location: 2q33.2.
Variant type: single nucleotide variant.
Coding change: c.2526G>T on transcript NM_001204.7 (MANE Select); coding-DNA position 2526, G replaced by T.
Protein change: p.Arg842Ser; replaces arginine 842 with serine.
Molecular consequence: missense variant.
Genome position (GRCh38, 1-based): chr2:202,556,191, G>T. VCF-style: chr2-202556191-G-T. GRCh37 (hg19) VCF-style: chr2-203420914-G-T.
Other names: NM_001204.7(BMPR2):c.2526G>T; p.Arg842Ser; c.2526G>T (NM_001204.6); short protein forms R842S.
Identifiers: ClinVar variation 1398400 (VCV001398400.12), dbSNP rs368819325, ClinGen allele CA2061546.
Genomic context (GRCh38, chr2:202,556,191, plus strand): 5'-AACCCAATATGCCAATGGGACAGTACTATCTGGCCAAACAACCAACATAGTGACACATAG[G>T]GCCCAAGAAATGTTGCAGAATCAGTTTATTGGTGAGGACACCCGGCTGAATATTAATTCC-3'
Protein context (NP_001195.2, residues 832-852): SGQTTNIVTH[Arg842Ser]AQEMLQNQFI

ClinVar aggregate classification (germline): Uncertain significance. Review status: reviewed by expert panel (3 of 4 stars). 5 submissions from 5 submitters: Uncertain significance (1). 4 of the submissions do not count toward it. Last evaluated 2024-09-10.

Conditions:
Primary pulmonary hypertension. Also called: Idiopathic pulmonary hypertension. Identifiers: MedGen C0152171.
Inborn genetic diseases. Identifiers: MedGen C0950123, MeSH D030342.
Pulmonary venoocclusive disease 1 (PVOD1). Also called: Pulmonary venoocclusive disease 1, autosomal dominant. Identifiers: Orphanet 31837, MedGen C3887658, MONDO:0020713, OMIM 265450.
Pulmonary hypertension, primary, 1 (PPH1). Also called: Pulmonary hypertension, familial primary, 1, with or without HHT. Identifiers: Orphanet 422, MedGen C4552070, MONDO:0024533, OMIM 178600.
Pulmonary arterial hypertension. Identifiers: Orphanet 182090, MedGen C2973725, MeSH D000081029, MONDO:0015924, HP:0002092.

Allele frequency attached by ClinVar (database versions not stated): ExAC 0.00003; gnomAD exomes 0.00004; TOPMed 0.00004; gnomAD 0.00005; ESP Exome Variant Server 0.00008.
gnomAD v4.1: 51 of 1,611,346 alleles (0.0032%); highest among the groups gnomAD compares: Non-Finnish European, 0.0042%; no homozygotes.

Submissions (5):

Clingen Pulmonary Hypertension Variant Curation Expert Panel, ClinGen
Classification: Uncertain significance for Pulmonary arterial hypertension. Last evaluated: 2024-09-10. Review status: reviewed by expert panel. Criteria: ClinGen PH ACMG Specifications BMPR2 V1.1.0. Collection method: curation. Allele origin: germline. Inheritance: Autosomal dominant inheritance.
Comment: The BMPR2 c.1882A>G variant is a missense variant predicted to result in an arginine to serine substitution at amino acid position 842 (p.Arg842Ser). The highest population minor allele frequency in gnomAD v.2.1.1 controls is 0.000070 in the European (non-Finnish) population thus meeting the threshold for PM2_supporting, resultantly neither BS1 nor BA1 were met. Computational evidence for pathogenicity as evaluated by REVEL generated a score of 0.468 indicating that neither BP4 nor PP3 were met. Additionally, the SpliceAI algorithm predicts no deleterious impact on putative acceptor or donor splice sites. The BMPR2 C-terminus is of unclear functional and/or structural relevance, hence PM1 is not met. Due to no evidence of familial segregation PP1, PM6 and PS2 were not assessed. BS3 and PS3 were not evaluated as functional data is unavailable for this variant. In summary, the variant meets the criteria to be classified as a variant of uncertain significance (VUS) for pulmonary arterial hypertension based on the ACMG/AMP criteria applied, as specified by the ClinGen Pulmonary Hypertension VCEP: PM2_supporting (VCEP specification version 1.1, 1/18/2024).

Labcorp Genetics (formerly Invitae), Labcorp
Classification: Likely benign for Primary pulmonary hypertension. Last evaluated: 2025-07-09. Review status: criteria provided, single submitter. Criteria: Invitae Variant Classification Sherloc (09022015). Collection method: clinical testing. Allele origin: germline. Not counted in ClinVar's aggregate classification.

Blueprint Genetics
Classification: Likely benign. Last evaluated: 2024-11-19. Review status: criteria provided, single submitter. Criteria: ACMG Guidelines, 2015. Collection method: clinical testing. Allele origin: germline. Not counted in ClinVar's aggregate classification.

Ambry Genetics
Classification: Uncertain significance for Inborn genetic diseases. Last evaluated: 2024-11-18. Review status: criteria provided, single submitter. Criteria: Ambry Variant Classification Scheme 2023. Collection method: clinical testing. Allele origin: germline. Not counted in ClinVar's aggregate classification.
Comment: The p.R842S variant (also known as c.2526G>T), located in coding exon 12 of the BMPR2 gene, results from a G to T substitution at nucleotide position 2526. The arginine at codon 842 is replaced by serine, an amino acid with dissimilar properties. This amino acid position is conserved. In addition, the in silico prediction for this alteration is inconclusive. Based on the available evidence, the clinical significance of this variant remains unclear.

Fulgent Genetics
Classification: Uncertain significance for Pulmonary hypertension, primary, 1; Pulmonary venoocclusive disease 1. Last evaluated: 2021-12-04. Review status: criteria provided, single submitter. Criteria: ACMG Guidelines, 2015. Collection method: clinical testing. Allele origin: unknown. Not counted in ClinVar's aggregate classification.